The following is an entry in ClinVar:

NM_004415.4(DSP):c.2793+18G>A

Gene: DSP (desmoplakin; plus strand). Cytogenetic location: 6p24.3.
Variant type: single nucleotide variant.
Coding change: c.2793+18G>A on transcript NM_004415.4 (MANE Select); 18 bases into the intron after coding-DNA position 2793, G replaced by A.
Molecular consequence: intron variant.
Genome position (GRCh38, 1-based): chr6:7,576,474, G>A. VCF-style: chr6-7576474-G-A. GRCh37 (hg19) VCF-style: chr6-7576707-G-A.
Other names: c.2793+18G>A (LRG_423t1, NM_001319034.2, NM_001008844.3).
Identifiers: ClinVar variation 515915 (VCV000515915.3), dbSNP rs1405091650, ClinGen allele CA565358337.
Genomic context (GRCh38, chr6:7,576,474, plus strand): 5'-TGGAGATTCCAACACAGTCATGCGGTTTTTGAATGAGCAGAAGGTATAAGCCAACTTTTT[G>A]TTCCATAGCTGTTTTGAGATTAATTGGGTGTAATTCATGTTTTCCTCTGGTTTTTGTATC-3'

ClinVar aggregate classification (germline): Likely benign. Review status: criteria provided, multiple submitters, no conflicts (2 of 4 stars). 2 submissions from 2 submitters: Likely benign (2). Last evaluated 2024-06-25.

Conditions:
Arrhythmogenic cardiomyopathy with wooly hair and keratoderma. Also called: PALMOPLANTAR KERATODERMA WITH LEFT VENTRICULAR CARDIOMYOPATHY AND WOOLLY HAIR; Carvajal syndrome; Dilated cardiomyopathy with woolly hair and keratoderma; Arrhythmogenic cardiomyopathy with woolly hair and keratoderma. Identifiers: Orphanet 65282, MedGen C1854063, MONDO:0011581, OMIM 605676.
Arrhythmogenic right ventricular dysplasia 8 (ARVD8). Also called: ARRHYTHMOGENIC RIGHT VENTRICULAR DYSPLASIA, FAMILIAL, 8; ARRHYTHMOGENIC RIGHT VENTRICULAR CARDIOMYOPATHY 8; Arrhythmogenic Right Ventricular Dysplasia/Cardiomyopathy 8. Identifiers: MedGen C1843896, MONDO:0011831, OMIM 607450.

Allele frequency attached by ClinVar (database versions not stated): gnomAD exomes below 0.00001 and 0.00001.
gnomAD v4.1: 3 of 1,613,932 alleles (0.00019%); highest among the groups gnomAD compares: South Asian, 0.0033%; no homozygotes.

Submissions (2):

Labcorp Genetics (formerly Invitae), Labcorp
Classification: Likely benign for Arrhythmogenic cardiomyopathy with wooly hair and keratoderma; Arrhythmogenic right ventricular dysplasia 8. Last evaluated: 2024-06-25. Review status: criteria provided, single submitter. Criteria: Invitae Variant Classification Sherloc (09022015). Collection method: clinical testing. Allele origin: germline.

GeneDx
Classification: Likely benign. Last evaluated: 2018-03-05. Review status: criteria provided, single submitter. Criteria: GeneDx Variant Classification (06012015). Collection method: clinical testing. Allele origin: germline. Affected: yes.
Comment: This variant is considered likely benign or benign based on one or more of the following criteria: it is a conservative change, it occurs at a poorly conserved position in the protein, it is predicted to be benign by multiple in silico algorithms, and/or has population frequency not consistent with disease.